The following is an entry in ClinVar:

ClinVar aggregate classification (germline): Pathogenic. Review status: criteria provided, single submitter (1 of 4 stars). 2 submissions from 2 submitters: Pathogenic (1). 1 of the submissions does not count toward it. Last evaluated 2016-11-08.

Conditions:
Erythrokeratodermia variabilis et progressiva 2 (EKVP2). Identifiers: MedGen C4479618, MONDO:0033012, OMIM 617524.

Submissions (2):

GeneDx
Classification: Pathogenic. Last evaluated: 2016-11-08. Review status: criteria provided, single submitter. Criteria: GeneDx Variant Classification (06012015). Collection method: clinical testing. Allele origin: germline. Affected: yes.
Comment: The T85P variant has been published previously in a large kindred where the variant was shown to co-segregate with disease in affected family members (Richard et al., 2003). It was not observed in approximately 6,500 individuals of European and African American ancestry in the NHLBI Exome Sequencing Project, indicating it is not a common benign variant in these populations. T85P is a non-conservative amino acid substitution, which is likely to impact secondary protein structure as these residues differ in polarity, charge, size and/or other properties. Although this substitution occurs at a position within the second transmembrane region where amino acids with similar properties to Threonine are tolerated across species, in silico analysis predicts this variant is probably damaging to the protein structure/function. Additionally, a missense variant in a nearby residue (C86S) has been reported in the Human Gene Mutation Database in association with erythrokeratodermia variabilis (Stenson et al., 2014), supporting the functional importance of this region of the protein.

OMIM
Classification: Pathogenic for ERYTHROKERATODERMIA VARIABILIS ET PROGRESSIVA 2. Last evaluated: 2003-04-01. Review status: no assertion criteria provided. Collection method: literature only. Allele origin: germline. Not counted in ClinVar's aggregate classification.

Literature cited by the submitters: PubMed 12648223 (cited by OMIM).

NM_153212.3(GJB4):c.253A>C (p.Thr85Pro)

Gene: GJB4 (gap junction protein beta 4; plus strand). Cytogenetic location: 1p34.3.
Variant type: single nucleotide variant.
Coding change: c.253A>C on transcript NM_153212.3 (MANE Select); coding-DNA position 253, A replaced by C.
Protein change: p.Thr85Pro; replaces threonine 85 with proline.
Molecular consequence: missense variant.
Genome position (GRCh38, 1-based): chr1:34,761,507, A>C. VCF-style: chr1-34761507-A-C. GRCh37 (hg19) VCF-style: chr1-35227108-A-C.
Other names: short protein forms T85P.
Identifiers: ClinVar variation 5006 (VCV000005006.2), dbSNP rs80358210, ClinGen allele CA117202.